The following is an entry in ClinVar:

ClinVar aggregate classification (germline): Uncertain significance. Review status: criteria provided, multiple submitters, no conflicts (2 of 4 stars). 3 submissions from 3 submitters: Uncertain significance (3). Last evaluated 2023-06-30.

Conditions:
Hereditary cancer-predisposing syndrome. Also called: Tumor predisposition; Neoplastic Syndromes, Hereditary; Hereditary Cancer Syndrome; Hereditary neoplastic syndrome. Identifiers: Orphanet 140162, MedGen C0027672, MeSH D009386, MONDO:0015356.
Fanconi anemia complementation group J. Also called: BRIP1-Related Fanconi Anemia. Identifiers: Orphanet 84, MedGen C1836860, MONDO:0012187, OMIM 609054.
Familial cancer of breast. Also called: BREAST CANCER, FAMILIAL; Hereditary breast cancer; hereditary breast carcinoma. Identifiers: Orphanet 227535, MedGen C0346153, MONDO:0016419, OMIM 114480. Disease mechanism: loss of function.

Submissions (3):

Quest Diagnostics Nichols Institute San Juan Capistrano
Classification: Uncertain significance. Last evaluated: 2023-06-30. Review status: criteria provided, single submitter. Criteria: Quest Diagnostics criteria. Collection method: clinical testing. Allele origin: unknown.
Comment: This variant has not been reported in the published literature. It also has not been reported in large, multi-ethnic general populations (Genome Aggregation Database). Analysis of this variant using software algorithms for the prediction of the effect of nucleotide changes on splicing yielded predictions that this variant may affect proper BRIP1 mRNA splicing . Based on the available information, we are unable to determine the clinical significance of this variant.

Ambry Genetics
Classification: Uncertain significance for Hereditary cancer-predisposing syndrome. Last evaluated: 2023-06-14. Review status: criteria provided, single submitter. Criteria: Ambry Variant Classification Scheme 2023. Collection method: clinical testing. Allele origin: germline.
Comment: The c.2256A>G variant (also known as p.K752K), located in coding exon 14 of the BRIP1 gene, results from an A to G substitution at nucleotide position 2256. This nucleotide substitution does not change the lysine at codon 752. This nucleotide position is well conserved in available vertebrate species. In silico splice site analysis predicts that this alteration will weaken the native splice donor site; however, direct evidence is insufficient at this time (Ambry internal data). Since supporting evidence is limited at this time, the clinical significance of this alteration remains unclear.

Labcorp Genetics (formerly Invitae), Labcorp
Classification: Uncertain significance for Familial cancer of breast; Fanconi anemia complementation group J. Last evaluated: 2022-07-16. Review status: criteria provided, single submitter. Criteria: Invitae Variant Classification Sherloc (09022015). Collection method: clinical testing. Allele origin: germline.
Comment: This variant has not been reported in the literature in individuals affected with BRIP1-related conditions. This sequence change affects codon 752 of the BRIP1 mRNA. It is a 'silent' change, meaning that it does not change the encoded amino acid sequence of the BRIP1 protein. It affects a nucleotide within the consensus splice site. This variant is not present in population databases (gnomAD no frequency). Algorithms developed to predict the effect of sequence changes on RNA splicing suggest that this variant may disrupt the consensus splice site. In summary, the available evidence is currently insufficient to determine the role of this variant in disease. Therefore, it has been classified as a Variant of Uncertain Significance.

NM_032043.3(BRIP1):c.2256A>G (p.Lys752=)

Gene: BRIP1 (BRCA1 interacting DNA helicase 1; minus strand). Cytogenetic location: 17q23.2.
Variant type: single nucleotide variant.
Coding change: c.2256A>G on transcript NM_032043.3 (MANE Select); coding-DNA position 2256, A replaced by G.
Protein change: p.Lys752=; no amino-acid change (lysine 752 retained).
Molecular consequence: synonymous variant.
Genome position (GRCh38, 1-based): chr17:61,744,433, T>C on the plus strand (A>G on the coding strand, the complement: BRIP1 is on the minus strand). VCF-style: chr17-61744433-T-C. GRCh37 (hg19) VCF-style: chr17-59821794-T-C.
Identifiers: ClinVar variation 1788524 (VCV001788524.9), dbSNP rs2144694771, ClinGen allele CA501151198.